The following is an entry in ClinVar:

NM_005188.4(CBL):c.1023T>G (p.Asp341Glu)

Gene: CBL (Cbl proto-oncogene; plus strand). Cytogenetic location: 11q23.3.
Variant type: single nucleotide variant.
Coding change: c.1023T>G on transcript NM_005188.4 (MANE Select); coding-DNA position 1023, T replaced by G.
Protein change: p.Asp341Glu; replaces aspartic acid 341 with glutamic acid.
Molecular consequence: missense variant.
Genome position (GRCh38, 1-based): chr11:119,277,772, T>G. VCF-style: chr11-119277772-T-G. GRCh37 (hg19) VCF-style: chr11-119148482-T-G.
Other names: short protein forms D341E.
Identifiers: ClinVar variation 3996080 (VCV003996080.1).
Genomic context (GRCh38, chr11:119,277,772, plus strand): 5'-GGCAAATTGGCTTAAATAAAACCCAGGGTTGGTTACTCTTTACAGCTATTTGTTTCCTGA[T>G]GGACGAAATCAGAATCCTGATCTGACTGGCTTATGTGAACCAACTCCCCAAGACCATATC-3'
Protein context (NP_005179.2, residues 331-351): GFREGFYLFP[Asp341Glu]GRNQNPDLTG

ClinVar aggregate classification (germline): Uncertain significance (1 of 4 stars; one submission).

Conditions:
Cardiovascular phenotype. Identifiers: MedGen CN230736.

Submission:

Ambry Genetics
Classification: Uncertain significance for Cardiovascular phenotype. Last evaluated: 2025-06-01. Review status: criteria provided, single submitter. Criteria: Ambry Variant Classification Scheme 2023. Collection method: clinical testing. Allele origin: germline.
Comment: The p.D341E variant (also known as c.1023T>G), located in coding exon 7 of the CBL gene, results from a T to G substitution at nucleotide position 1023. The aspartic acid at codon 341 is replaced by glutamic acid, an amino acid with highly similar properties. This amino acid position is conserved. In addition, this alteration is predicted to be deleterious by in silico analysis. Based on the available evidence, the clinical significance of this variant remains unclear.